The following is an entry in ClinVar:

ClinVar aggregate classification (germline): Uncertain significance (1 of 4 stars; one submission).

Allele frequency attached by ClinVar (database versions not stated): gnomAD 0.00002; TOPMed 0.00002; ExAC 0.00009; 1000 Genomes Project 30x 0.00016; 1000 Genomes Project 0.00040.
gnomAD v4.1: 79 of 1,573,568 alleles (0.005%); highest among the groups gnomAD compares: Non-Finnish European, 0.0065%; no homozygotes.

Submission:

Labcorp Genetics (formerly Invitae), Labcorp
Classification: Uncertain significance. Last evaluated: 2025-01-07. Review status: criteria provided, single submitter. Criteria: Invitae Variant Classification Sherloc (09022015). Collection method: clinical testing. Allele origin: germline.
Comment: This sequence change replaces arginine, which is basic and polar, with tryptophan, which is neutral and slightly polar, at codon 287 of the DOCK6 protein (p.Arg287Trp). The frequency data for this variant in the population databases is considered unreliable, as metrics indicate poor data quality at this position in the gnomAD database. This variant has not been reported in the literature in individuals affected with DOCK6-related conditions. ClinVar contains an entry for this variant (Variation ID: 2187521). Invitae Evidence Modeling of protein sequence and biophysical properties (such as structural, functional, and spatial information, amino acid conservation, physicochemical variation, residue mobility, and thermodynamic stability) has been performed for this missense variant. However, the output from this modeling did not meet the statistical confidence thresholds required to predict the impact of this variant on DOCK6 protein function. In summary, the available evidence is currently insufficient to determine the role of this variant in disease. Therefore, it has been classified as a Variant of Uncertain Significance.

NM_020812.4(DOCK6):c.859C>T (p.Arg287Trp)

Gene: DOCK6 (dedicator of cytokinesis 6; minus strand). Cytogenetic location: 19p13.2.
Variant type: single nucleotide variant.
Coding change: c.859C>T on transcript NM_020812.4 (MANE Select); coding-DNA position 859, C replaced by T.
Protein change: p.Arg287Trp; replaces arginine 287 with tryptophan.
Molecular consequence: missense variant.
Genome position (GRCh38, 1-based): chr19:11,245,826, G>A on the plus strand (C>T on the coding strand, the complement: DOCK6 is on the minus strand). VCF-style: chr19-11245826-G-A. GRCh37 (hg19) VCF-style: chr19-11356502-G-A.
Other names: c.859C>T, p.Arg287Trp (NM_001367830.1); short protein forms R287W.
Identifiers: ClinVar variation 2187521 (VCV002187521.3), dbSNP rs531520573, ClinGen allele CA9208322.
Genomic context (GRCh38, chr19:11,245,826, plus strand): 5'-CAACAAGGAGAAGGAAGGGGAGGAAAGAGAAAAAAGGGCCTCCTACCTTCTTTTTCTCCC[G>A]CACATCATACAGAGCCAAGATCCCAAAGATGGGCTCAATTTCAATCTCGAACCTACAAGT-3'
Protein context (NP_065863.2, residues 277-297): IFGILALYDV[Arg287Trp]EKKKISENFY